The following is an entry in ClinVar:

ClinVar aggregate classification (germline): Uncertain significance. Review status: criteria provided, multiple submitters, no conflicts (2 of 4 stars). 2 submissions from 2 submitters: Uncertain significance (2). Last evaluated 2025-12-10.

Conditions:
Hereditary cancer-predisposing syndrome. Also called: Neoplastic Syndromes, Hereditary; Tumor predisposition; Hereditary Cancer Syndrome; Hereditary neoplastic syndrome. Identifiers: Orphanet 140162, MedGen C0027672, MeSH D009386, MONDO:0015356.

Submissions (2):

Ambry Genetics
Classification: Uncertain significance for Hereditary cancer-predisposing syndrome. Last evaluated: 2025-12-10. Review status: criteria provided, single submitter. Criteria: Ambry Variant Classification Scheme 2023. Collection method: clinical testing. Allele origin: germline.
Comment: The c.3380delA variant, located in coding exon 19 of the BRIP1 gene, results from a deletion of one nucleotide at nucleotide position 3380, causing a translational frameshift with a predicted alternate stop codon (p.D1127Vfs*23). This alteration occurs at the 3' terminus of the gene, is not expected to trigger nonsense-mediated mRNAdecay, and impacts the last 9.84% of the protein. The exact functional effect of this alteration is unknown. Based on the available evidence, the clinical significance of this variant remains unclear.

Institute for Genomic Medicine (IGM) Clinical Laboratory, Nationwide Children's Hospital
Classification: Uncertain significance for Hereditary cancer-predisposing syndrome. Last evaluated: 2025-11-11. Review status: criteria provided, single submitter. Criteria: ACMG Guidelines, 2015. Collection method: clinical testing. Allele origin: germline.
Comment: This variant is predicted to result in loss of function through nonsense-mediated decay of the encoded transcript or premature truncation of the encoded protein in a gene in which loss of function is a known mechanism of disease (ACMG/AMP: PVS1_Moderate). This variant is absent from or present at an exceedingly low frequency in gnomAD, a large-scale control population database (ACMG/AMP: PM2).

NM_032043.3(BRIP1):c.3380del (p.Asp1127fs)

Gene: BRIP1 (BRCA1 interacting DNA helicase 1; minus strand). Cytogenetic location: 17q23.2.
Variant type: Deletion.
Coding change: c.3380del on transcript NM_032043.3 (MANE Select); coding-DNA position 3380, one base deleted (A; older notation c.3380delA).
Protein change: p.Asp1127fs; shifts the reading frame from aspartic acid 1127.
Molecular consequence: frameshift variant.
Genome position (GRCh38, 1-based): chr17:61,683,666, T deleted on the plus strand (A on the coding strand, the reverse complement: BRIP1 is on the minus strand). VCF-style (leftmost placement, unchanged base first): chr17-61683665-AT-A. GRCh37 (hg19) VCF-style: chr17-59761026-AT-A.
Other names: short protein forms D1127fs.
Identifiers: ClinVar variation 4631214 (VCV004631214.2).